The following is an entry in ClinVar:

NM_012469.4(PRPF6):c.1696G>T (p.Ala566Ser)

Gene: PRPF6 (pre-mRNA processing factor 6; plus strand). Cytogenetic location: 20q13.33.
Variant type: single nucleotide variant.
Coding change: c.1696G>T on transcript NM_012469.4 (MANE Select); coding-DNA position 1696, G replaced by T.
Protein change: p.Ala566Ser; replaces alanine 566 with serine.
Molecular consequence: missense variant.
Genome position (GRCh38, 1-based): chr20:64,022,805, G>T. VCF-style: chr20-64022805-G-T. GRCh37 (hg19) VCF-style: chr20-62654158-G-T.
Other names: short protein forms A566S.
Identifiers: ClinVar variation 1472246 (VCV001472246.6), dbSNP rs765733703, ClinGen allele CA409733250.

ClinVar aggregate classification (germline): Uncertain significance (1 of 4 stars; one submission).

Submission:

Labcorp Genetics (formerly Invitae), Labcorp
Classification: Uncertain significance. Last evaluated: 2022-03-28. Review status: criteria provided, single submitter. Criteria: Invitae Variant Classification Sherloc (09022015). Collection method: clinical testing. Allele origin: germline.
Comment: In summary, the available evidence is currently insufficient to determine the role of this variant in disease. Therefore, it has been classified as a Variant of Uncertain Significance. Algorithms developed to predict the effect of sequence changes on RNA splicing suggest that this variant may create or strengthen a splice site. Algorithms developed to predict the effect of missense changes on protein structure and function (SIFT, PolyPhen-2, Align-GVGD) all suggest that this variant is likely to be tolerated. This variant has not been reported in the literature in individuals affected with PRPF6-related conditions. This variant is not present in population databases (gnomAD no frequency). This sequence change replaces alanine, which is neutral and non-polar, with serine, which is neutral and polar, at codon 566 of the PRPF6 protein (p.Ala566Ser).